The following is an entry in ClinVar:

ClinVar aggregate classification (germline): Uncertain significance (1 of 4 stars; one submission).

Conditions:
Common variable immunodeficiency (CVID). Also called: Common variable hypogamma-globulinemia; Common variable agammaglobulinemia. Identifiers: Orphanet 1572, MedGen C0009447, MONDO:0015517.

gnomAD v4.1: 5 of 1,611,972 alleles (0.00031%); highest among the groups gnomAD compares: African/African-American, 0.0027%; no homozygotes.

Submission:

Labcorp Genetics (formerly Invitae), Labcorp
Classification: Uncertain significance for Common variable immunodeficiency. Last evaluated: 2022-01-31. Review status: criteria provided, single submitter. Criteria: Invitae Variant Classification Sherloc (09022015). Collection method: clinical testing. Allele origin: germline.
Comment: This variant is present in population databases (rs746979506, gnomAD 0.006%). In summary, the available evidence is currently insufficient to determine the role of this variant in disease. Therefore, it has been classified as a Variant of Uncertain Significance. Algorithms developed to predict the effect of missense changes on protein structure and function are either unavailable or do not agree on the potential impact of this missense change (SIFT: "Tolerated"; PolyPhen-2: "Probably Damaging"; Align-GVGD: "Class C0"). This variant has not been reported in the literature in individuals affected with TNFSF12-related conditions. This sequence change replaces glycine, which is neutral and non-polar, with arginine, which is basic and polar, at codon 204 of the TNFSF12 protein (p.Gly204Arg).

NM_003809.3(TNFSF12):c.610G>C (p.Gly204Arg)

Genes: TNFSF12 (TNF superfamily member 12; plus strand), TNFSF12-TNFSF13 (TNFSF12-TNFSF13 readthrough; plus strand). Cytogenetic location: 17p13.1.
Variant type: single nucleotide variant.
Coding change: c.610G>C on transcript NM_003809.3 (MANE Select); coding-DNA position 610, G replaced by C.
Protein change: p.Gly204Arg; replaces glycine 204 with arginine.
Molecular consequence: missense variant. On other transcripts: non-coding transcript variant (1), intron variant (1).
Genome position (GRCh38, 1-based): chr17:7,557,210, G>C. VCF-style: chr17-7557210-G-C. GRCh37 (hg19) VCF-style: chr17-7460527-G-C.
Other names: c.498+308G>C (NM_172089.4); short protein forms G204R.
Identifiers: ClinVar variation 1969405 (VCV001969405.5), dbSNP rs746979506, ClinGen allele CA8350887.
Genomic context (GRCh38, chr17:7,557,210, plus strand): 5'-GATGGTGTGCTGGCCCTGCGCTGCCTGGAGGAATTCTCAGCCACTGCGGCGAGTTCCCTC[G>C]GGCCCCAGCTCCGCCTCTGCCAGGTGTCTGGGCTGTTGGCCCTGCGGCCAGGGTCCTCCC-3'
Protein context (NP_003800.1, residues 194-214): EFSATAASSL[Gly204Arg]PQLRLCQVSG